The following is an entry in ClinVar:

NM_001267550.2(TTN):c.86335C>T (p.Arg28779Ter)

Genes: TTN (titin; minus strand), TTN-AS1 (TTN antisense RNA 1; plus strand). Cytogenetic location: 2q31.2.
Variant type: single nucleotide variant.
Coding change: c.86335C>T on transcript NM_001267550.2 (MANE Select); coding-DNA position 86335, C replaced by T.
Protein change: p.Arg28779Ter; replaces arginine 28779 with a stop codon.
Molecular consequence: nonsense.
Genome position (GRCh38, 1-based): chr2:178,559,797, G>A on the plus strand (C>T on the coding strand, the complement: TTN is on the minus strand). VCF-style: chr2-178559797-G-A. GRCh37 (hg19) VCF-style: chr2-179424524-G-A.
Other names: p.Arg27138*; c.81412C>T, p.Arg27138Ter (NM_001256850.1); c.59140C>T, p.Arg19714Ter (NM_003319.4); c.78631C>T, p.Arg26211Ter (NM_133378.4); c.59515C>T, p.Arg19839Ter (NM_133432.3); c.59716C>T, p.Arg19906Ter (NM_133437.4); c.86335C>T (NM_001267550.1); short protein forms R28779*, R19839*, R27138*, R26211*, R19714*, R19906*.
Identifiers: ClinVar variation 405008 (VCV000405008.17), dbSNP rs1060500525, ClinGen allele CA16610263.

ClinVar aggregate classification (germline): Pathogenic/Likely pathogenic. Review status: criteria provided, multiple submitters, no conflicts (2 of 4 stars). 6 submissions from 6 submitters: Pathogenic (5); Likely pathogenic (1). Last evaluated 2026-08-13.

Conditions:
Cardiovascular phenotype. Identifiers: MedGen CN230736.
Dilated cardiomyopathy 1G (CMD1G). Identifiers: Orphanet 154, MedGen C1858763, MONDO:0011400, OMIM 604145.
Autosomal recessive limb-girdle muscular dystrophy type 2J (LGMDR10). Also called: MUSCULAR DYSTROPHY, LIMB-GIRDLE, AUTOSOMAL RECESSIVE 10; Limb-girdle muscular dystrophy, type 2J. Identifiers: Orphanet 140922, MedGen C1837342, MONDO:0012127, OMIM 608807.
Primary familial dilated cardiomyopathy (FDC). Also called: Hypokinetic dilated cardiomyopathy, familial; Familial dilated cardiomyopathy. Identifiers: Orphanet 217607, MedGen C0340427, MONDO:0016333.
TTN-related disorder. Also called: TTN-related disorders; TTN-related condition; TTN-related disease.

Allele frequency attached by ClinVar (database versions not stated): TOPMed below 0.00001; gnomAD 0.00001.
gnomAD v4.1: 2 of 1,608,046 alleles (0.00012%); highest among the groups gnomAD compares: Non-Finnish European, 0.00017%; no homozygotes.

Submissions (6):

Ambry Genetics
Classification: Pathogenic for Cardiovascular phenotype. Last evaluated: 2026-08-13. Review status: criteria provided, single submitter. Criteria: Ambry Variant Classification Scheme 2023. Collection method: clinical testing. Allele origin: germline.
Comment: The c.59140C>T (p.R19714*) alteration, located in exon 154 (coding exon 153) of the TTN gene, consists of a C to T substitution at nucleotide position 59140. This changes the amino acid from an arginine (R) to a stop codon at amino acid position 19714. This variant is expected to result in loss of function by premature protein truncation or nonsense-mediated mRNA decay. This variant was not reported in population-based cohorts in the Genome Aggregation Database (gnomAD). This variant was reported in individual(s) with dilated cardiomyopathy (Ambry internal data; external communication). This exon is located in the A-band region of the N2-B isoform of the titin protein and is constitutively expressed in TTN transcripts (percent spliced in or PSI 100%). While truncating variants in TTN are present in 1-3% of the general population, truncating variants in the A-band are the most common cause of dilated cardiomyopathy (Herman, 2012; Roberts, 2015). TTN truncating variants encoded in constitutive exons (PSI >90%) have been found to be significantly associated with DCM regardless of their position in titin (Schafer, 2017; Akhtar, 2020; Massier, 2025). Based on the available evidence, this alteration is classified as pathogenic.

Labcorp Genetics (formerly Invitae), Labcorp
Classification: Pathogenic for Dilated cardiomyopathy 1G; Autosomal recessive limb-girdle muscular dystrophy type 2J. Last evaluated: 2026-02-01. Review status: criteria provided, single submitter. Criteria: Invitae Variant Classification Sherloc (09022015). Collection method: clinical testing. Allele origin: germline.
Comment: This sequence change creates a premature translational stop signal (p.Arg28779*) in the TTN gene. While this is not anticipated to result in nonsense mediated decay, it is expected to create a truncated TTN protein. This variant is not present in population databases (gnomAD no frequency). This premature translational stop signal has been observed in individuals with dilated cardiomyopathy (internal data). ClinVar contains an entry for this variant (Variation ID: 405008). This variant is located in the A band of TTN (PMID: 25589632). Truncating variants in this region are significantly overrepresented in patients affected with dilated cardiomyopathy (PMID: 25589632). Truncating variants in this region have also been reported in individuals affected with autosomal recessive centronuclear myopathy (PMID: 23975875). For these reasons, this variant has been classified as Pathogenic.

Women's Health and Genetics/Laboratory Corporation of America, LabCorp
Classification: Pathogenic for Primary familial dilated cardiomyopathy. Last evaluated: 2025-12-08. Review status: criteria provided, single submitter. Criteria: LabCorp Variant Classification Summary - May 2015. Collection method: clinical testing. Allele origin: germline.
Comment: Variant summary: TTN NM_133378:c.78631C>T (p.Arg26211X) (also known as NM_001267550:c.86335C>T, p.Arg28779X), results in a premature termination codon, predicted to cause a truncation of the encoded protein or absence of the protein due to nonsense mediated decay, which are commonly known mechanisms for disease. Loss of function variants in all TTN bands are strongly associated with a spectrum of autosomal recessive titinopathies when exon expression (proportion spliced in, PSI, 1=complete expression) in skeletal muscle is >0.1 (PMID: 36977548, 39198997, 29598826, 32778822, 29691892, 33449170, 36977548, internal data). In contrast, loss of function variants in all TTN bands are only strongly associated with autosomal dominant TTN-related cardiomyopathies if located in exons constitutively expressed (PSI >0.9) in cardiac muscle, excluding extreme C-terminal exons 359-363 (PMID: 25589632, 31216868, 32964742, 34662387, 27869827, Shetty et al., Nat Cardiovasc Res 2024,, internal data). This variant is located in exon 326 in NM_001267550. This exon has a maximum skeletal muscle PSI of 0.968 and a maximum cardiac muscle PSI of 1 (PMID: 39198997). The variant allele was found at a frequency of 1.2e-06 in 1601074 control chromosomes in the gnomAD database (v4.1 dataset). The variant, c.78631C>T, has been observed in heterozygous state in individuals affected with Dilated Cardiomyopathy (e.g. Escobar-Lopez_2021, McGurk_2023, Labcorp Genetics (formerly Invitae) internal data). These data indicate that the variant is likely to be associated with disease. To our knowledge, no experimental evidence demonstrating an impact on protein function has been reported. The following publications have been ascertained in the context of this evaluation (PMID: 34674813, 37652022). ClinVar contains an entry for this variant (Variation ID: 405008). Based on the evidence outlined above, the variant was classified as pathogenic for both autosomal dominant and autosomal recessive TTN-related conditions.

PreventionGenetics, part of Exact Sciences
Classification: Pathogenic for TTN-related condition. Last evaluated: 2025-03-17. Review status: criteria provided, single submitter. Criteria: ACMG Guidelines, 2015. Collection method: clinical testing. Allele origin: germline.
Comment: The TTN c.86335C>T variant is predicted to result in premature protein termination (p.Arg28779*). This variant has been reported in an individual with dilated cardiomyopathy (Table S9, McGurk et al. 2023. PubMed ID: 37652022). This variant has not been reported in a large population database (gnomAD), indicating it is rare. This variant is located in the A-band region of the protein in which truncating TTN variants have been found more frequently in dilated cardiomyopathy patients than in controls (Herman et al. 2012. PubMed ID: 22335739). RNAseq studies from heart tissue indicate this exon is commonly included in TTN mRNA transcripts (PSI of 95%-100%); however, this analysis in muscle tissue was not performed (Roberts et al. 2015. PubMed ID: 25589632). TTN truncating variants are reported in 1-2% of presumably healthy individuals and occur more frequently in exons with low PSI values, indicating this variant is more likely to be disease causing (Herman et al. 2012. PubMed ID: 22335739; Roberts et al. 2015. PubMed ID: 25589632). This variant is interpreted as pathogenic for both autosomal dominant and autosomal recessive TTN-related disorders.

Mayo Clinic Laboratories, Mayo Clinic
Classification: Pathogenic. Last evaluated: 2024-06-06. Review status: criteria provided, single submitter. Criteria: ACMG Guidelines, 2015. Collection method: clinical testing. Allele origin: germline. Observed: 1 variant allele.
Comment: PM2, PS4_supporting, PVS1

GeneDx
Classification: Likely pathogenic. Last evaluated: 2023-04-18. Review status: criteria provided, single submitter. Criteria: GeneDx Variant Classification Process June 2021. Collection method: clinical testing. Allele origin: germline. Affected: yes.
Comment: Nonsense variant predicted to result in protein truncation or nonsense mediated decay in a gene for which loss of function is a known mechanism of disease; Located in the A-band region of TTN in which the majority of loss of function variants have been associated with autosomal dominant titinopathies (Herman et al., 2012); Not observed at significant frequency in large population cohorts (gnomAD); Has not been previously published as pathogenic or benign to our knowledge; This variant is associated with the following publications: (PMID: 22335739, 25589632, 23975875, 33432171)

Literature cited by the submitters: PubMed 22335739 (cited by Ambry Genetics); PubMed 25589632 (cited by Ambry Genetics and Labcorp Genetics (formerly Invitae), Labcorp); PubMed 27869827 (cited by Ambry Genetics); PubMed 32964742 (cited by Ambry Genetics); PubMed 39844436 (cited by Ambry Genetics); PubMed 23975875 (cited by Labcorp Genetics (formerly Invitae), Labcorp); PubMed 37652022 (cited by Women's Health and Genetics/Laboratory Corporation of America, LabCorp and Mayo Clinic Laboratories, Mayo Clinic); PubMed 34674813 (cited by Women's Health and Genetics/Laboratory Corporation of America, LabCorp).